The following is an entry in ClinVar:

ClinVar aggregate classification (germline): Uncertain significance (1 of 4 stars; one submission).

Allele frequency attached by ClinVar (database versions not stated): gnomAD exomes 0.00001; ExAC 0.00002.
gnomAD v4.1: 9 of 1,613,196 alleles (0.00056%); highest among the groups gnomAD compares: Non-Finnish European, 0.00059%; no homozygotes.

Submission:

Labcorp Genetics (formerly Invitae), Labcorp
Classification: Uncertain significance. Last evaluated: 2025-11-13. Review status: criteria provided, single submitter. Criteria: Invitae Variant Classification Sherloc (09022015). Collection method: clinical testing. Allele origin: germline.
Comment: This sequence change replaces alanine, which is neutral and non-polar, with threonine, which is neutral and polar, at codon 494 of the DSCAML1 protein (p.Ala494Thr). This variant is present in population databases (rs755281090, gnomAD 0.003%). This variant has not been reported in the literature in individuals affected with DSCAML1-related conditions. ClinVar contains an entry for this variant (Variation ID: 1905467). An algorithm developed to predict the effect of missense changes on protein structure and function (PolyPhen-2) suggests that this variant is likely to be tolerated. In summary, the available evidence is currently insufficient to determine the role of this variant in disease. Therefore, it has been classified as a Variant of Uncertain Significance.

NM_020693.4(DSCAML1):c.1300G>A (p.Ala434Thr)

Gene: DSCAML1 (DS cell adhesion molecule like 1; minus strand). Cytogenetic location: 11q23.3.
Variant type: single nucleotide variant.
Coding change: c.1300G>A on transcript NM_020693.4 (MANE Select); coding-DNA position 1300, G replaced by A.
Protein change: p.Ala434Thr; replaces alanine 434 with threonine.
Molecular consequence: missense variant.
Genome position (GRCh38, 1-based): chr11:117,518,676, C>T on the plus strand (G>A on the coding strand, the complement: DSCAML1 is on the minus strand). VCF-style: chr11-117518676-C-T. GRCh37 (hg19) VCF-style: chr11-117389391-C-T.
Other names: c.1300G>A, p.Ala434Thr (NM_001367904.1); c.892G>A, p.Ala298Thr (NM_001367905.1); short protein forms A298T, A434T.
Identifiers: ClinVar variation 1905467 (VCV001905467.5), dbSNP rs755281090, ClinGen allele CA6297301.